The following is an entry in ClinVar:

ClinVar aggregate classification (germline): Uncertain significance (0 of 4 stars; one submission).

Conditions:
SLC25A13-related disorder. Also called: SLC25A13-related condition.

Allele frequency attached by ClinVar (database versions not stated): ExAC 0.00001.
gnomAD v4.1: 11 of 1,613,930 alleles (0.00068%); highest among the groups gnomAD compares: East Asian, 0.0067%; no homozygotes.

Submission:

PreventionGenetics, part of Exact Sciences
Classification: Uncertain significance for SLC25A13-related condition. Last evaluated: 2024-01-10. Review status: no assertion criteria provided. Collection method: clinical testing. Allele origin: germline.
Comment: The SLC25A13 c.1657C>T variant is predicted to result in the amino acid substitution p.Arg553Trp. To our knowledge, this variant has not been reported in the literature. A different substitution affecting the same amino acid (p.Arg553Gln) was reported in individuals with neonatal intrahepatic cholestasis (Chen et al. 2012. PubMed ID: 22575253; Supplemental Table 1 as p.R554Q, Fang et al. 2021. PubMed ID: 33763395). This variant is reported in 0.0054% of alleles in individuals of East Asian descent in gnomAD. At this time, the clinical significance of this variant is uncertain due to the absence of conclusive functional and genetic evidence.

NM_014251.3(SLC25A13):c.1657C>T (p.Arg553Trp)

Gene: SLC25A13 (solute carrier family 25 member 13; minus strand). Cytogenetic location: 7q21.3.
Variant type: single nucleotide variant.
Coding change: c.1657C>T on transcript NM_014251.3 (MANE Select); coding-DNA position 1657, C replaced by T.
Protein change: p.Arg553Trp; replaces arginine 553 with tryptophan.
Molecular consequence: missense variant. On other transcripts: non-coding transcript variant (1).
Genome position (GRCh38, 1-based): chr7:96,121,932, G>A on the plus strand (C>T on the coding strand, the complement: SLC25A13 is on the minus strand). VCF-style: chr7-96121932-G-A. GRCh37 (hg19) VCF-style: chr7-95751244-G-A.
Other names: c.1660C>T, p.Arg554Trp (NM_001160210.2); short protein forms R553W, R554W.
Identifiers: ClinVar variation 3047814 (VCV003047814.2), dbSNP rs761602352, ClinGen allele CA4352832.